The following is an entry in ClinVar:

NM_000124.4(ERCC6):c.777_787del (p.Lys259fs)

Gene: ERCC6 (ERCC excision repair 6, chromatin remodeling factor; minus strand). Cytogenetic location: 10q11.23.
Variant type: Deletion.
Coding change: c.777_787del on transcript NM_000124.4 (MANE Select); coding-DNA positions 777 to 787, 11 bases deleted (GCCCAGAAAAA).
Protein change: p.Lys259fs; shifts the reading frame from lysine 259.
Molecular consequence: frameshift variant.
Genome position (GRCh38, 1-based): chr10:49,524,643-49,524,653, TTTTTCTGGGC deleted on the plus strand (GCCCAGAAAAA on the coding strand, the reverse complement: ERCC6 is on the minus strand); deleting any 11 consecutive bases within chr10:49,524,643-49,524,660 gives the same sequence; the c. name uses the placement nearest the transcript's 3' end. VCF-style (leftmost placement, unchanged base first): chr10-49524642-ATTTTTCTGGGC-A. GRCh37 (hg19) VCF-style: chr10-50732688-ATTTTTCTGGGC-A.
Other names: c.777_787del, p.Lys259fs (NM_001277058.2, NM_001277059.2, NM_001346440.2); short protein forms K259fs.
Identifiers: ClinVar variation 2863120 (VCV002863120.3), dbSNP rs2496141604, ClinGen allele CA2739265354.

ClinVar aggregate classification (germline): Pathogenic (1 of 4 stars; one submission).

Submission:

Labcorp Genetics (formerly Invitae), Labcorp
Classification: Pathogenic. Last evaluated: 2023-05-11. Review status: criteria provided, single submitter. Criteria: Invitae Variant Classification Sherloc (09022015). Collection method: clinical testing. Allele origin: germline.
Comment: This sequence change creates a premature translational stop signal (p.Lys259Asnfs*4) in the ERCC6 gene. It is expected to result in an absent or disrupted protein product. Loss-of-function variants in ERCC6 are known to be pathogenic (PMID: 18628313, 29572252). This variant is not present in population databases (gnomAD no frequency). This variant has not been reported in the literature in individuals affected with ERCC6-related conditions. For these reasons, this variant has been classified as Pathogenic.

Literature cited by the submitters: PubMed 18628313; PubMed 29572252.